The following is an entry in ClinVar:

NM_001145026.2(PTPRQ):c.6768T>C (p.Ile2256=)

Gene: PTPRQ (protein tyrosine phosphatase receptor type Q; plus strand). Cytogenetic location: 12q21.31.
Variant type: single nucleotide variant.
Coding change: c.6768T>C on transcript NM_001145026.2 (MANE Select); coding-DNA position 6768, T replaced by C.
Protein change: p.Ile2256=; no amino-acid change (isoleucine 2256 retained).
Molecular consequence: synonymous variant.
Genome position (GRCh38, 1-based): chr12:80,678,631, T>C. VCF-style: chr12-80678631-T-C. GRCh37 (hg19) VCF-style: chr12-81072410-T-C.
Identifiers: ClinVar variation 1308066 (VCV001308066.2), dbSNP rs1315204618, ClinGen allele CA480991038.
Genomic context (GRCh38, chr12:80,678,631, plus strand): 5'-TTTGTTTAACCACTCTGTCTTTGGTGTCTAGGCACAGTATATCTTTTTACACCAGTGCAT[T>C]CTGGATCTCTTATCAAATAAGGGAAGTAATCAGCCCATCTGTTTTGTTAACTATTCAGCA-3'
Protein context (NP_001138498.1, residues 2246-2266): LAQYIFLHQC[Ile2256=]LDLLSNKGSN

ClinVar aggregate classification (germline): Uncertain significance (1 of 4 stars; one submission).

Allele frequency attached by ClinVar (database versions not stated): gnomAD exomes below 0.00001 and 0.00001; gnomAD 0.00001 and 0.00002; TOPMed 0.00003.
gnomAD v4.1: 5 of 1,550,296 alleles (0.00032%); highest among the groups gnomAD compares: African/African-American, 0.0068%; no homozygotes.

Submission:

GeneDx
Classification: Uncertain significance. Last evaluated: 2019-08-20. Review status: criteria provided, single submitter. Criteria: GeneDx Variant Classification Process June 2021. Collection method: clinical testing. Allele origin: germline. Affected: yes.
Comment: In silico analysis, which includes splice predictors and evolutionary conservation, supports that this variant does not alter protein structure/function; Has not been previously published as pathogenic or benign to our knowledge